The following is an entry in ClinVar:

ClinVar aggregate classification (germline): Likely benign. Review status: criteria provided, multiple submitters, no conflicts (2 of 4 stars). 4 submissions from 4 submitters: Likely benign (4). Last evaluated 2026-07-01.

Conditions:
TONSL-related disorder. Also called: TONSL-related condition.

Allele frequency attached by ClinVar (database versions not stated): 1000 Genomes Project 30x 0.00078; 1000 Genomes Project 0.00080; TOPMed 0.00116; gnomAD 0.00117 and 0.00123; gnomAD exomes 0.00120 and 0.00273; ExAC 0.00121; ESP Exome Variant Server 0.00146.
gnomAD v4.1: 4,046 of 1,591,278 alleles (0.25%); highest among the groups gnomAD compares: Non-Finnish European, 0.33%; 7 homozygotes.

Submissions (4):

CeGaT Center for Human Genetics Tuebingen
Classification: Likely benign. Last evaluated: 2026-07-01. Review status: criteria provided, single submitter. Criteria: CeGaT Center For Human Genetics Tuebingen Variant Classification Criteria Version 2. Collection method: clinical testing. Allele origin: germline. Affected: yes. Observed: 1 variant allele.
Comment: TONSL: BP4

Labcorp Genetics (formerly Invitae), Labcorp
Classification: Likely benign. Last evaluated: 2026-02-01. Review status: criteria provided, single submitter. Criteria: Invitae Variant Classification Sherloc (09022015). Collection method: clinical testing. Allele origin: germline.

PreventionGenetics, part of Exact Sciences
Classification: Likely benign for TONSL-related condition. Last evaluated: 2024-11-04. Review status: criteria provided, single submitter. Criteria: ACMG Guidelines, 2015. Collection method: clinical testing. Allele origin: germline.
Comment: This variant is classified as likely benign based on ACMG/AMP sequence variant interpretation guidelines (Richards et al. 2015 PMID: 25741868, with internal and published modifications).

Breakthrough Genomics
Classification: Likely benign. Review status: criteria provided, single submitter. Criteria: ACMG Guidelines, 2015. Collection method: not provided. Allele origin: germline. Inheritance: Autosomal recessive inheritance. Affected: yes.

NM_013432.5(TONSL):c.644C>T (p.Ala215Val)

Gene: TONSL (tonsoku like, DNA repair protein; minus strand). Cytogenetic location: 8q24.3.
Variant type: single nucleotide variant.
Coding change: c.644C>T on transcript NM_013432.5 (MANE Select); coding-DNA position 644, C replaced by T.
Protein change: p.Ala215Val; replaces alanine 215 with valine.
Molecular consequence: missense variant.
Genome position (GRCh38, 1-based): chr8:144,442,347, G>A on the plus strand (C>T on the coding strand, the complement: TONSL is on the minus strand). VCF-style: chr8-144442347-G-A. GRCh37 (hg19) VCF-style: chr8-145667730-G-A.
Other names: c.644C>T (NM_013432.4); short protein forms A215V.
Identifiers: ClinVar variation 1629254 (VCV001629254.11), dbSNP rs146520900, ClinGen allele CA4943564.
Genomic context (GRCh38, chr8:144,442,347, plus strand): 5'-ATGGTGTGCGCACACTCCCGGGCACCCTCCAAGCAGCGCATAGCCTGGGAGTGCTGGCCC[G>A]CGCGCCAGTGGATGGTGCCCAGGTTGTAGCGGGCGCGGAATAGGTCCTCGTAAAGGTGGT-3'
Protein context (NP_038460.4, residues 205-225): RYNLGTIHWR[Ala215Val]GQHSQAMRCL